The following is an entry in ClinVar:

NM_001042492.3(NF1):c.3218T>C (p.Met1073Thr)

Gene: NF1 (neurofibromin 1; plus strand). Cytogenetic location: 17q11.2.
Variant type: single nucleotide variant.
Coding change: c.3218T>C on transcript NM_001042492.3 (MANE Select); coding-DNA position 3218, T replaced by C.
Protein change: p.Met1073Thr; replaces methionine 1073 with threonine.
Molecular consequence: missense variant.
Genome position (GRCh38, 1-based): chr17:31,232,093, T>C. VCF-style: chr17-31232093-T-C. GRCh37 (hg19) VCF-style: chr17-29559111-T-C.
Other names: c.3218T>C, p.Met1073Thr (NM_000267.4); short protein forms M1073T.
Identifiers: ClinVar variation 1380429 (VCV001380429.6), dbSNP rs1555614827, ClinGen allele CA398988646.

ClinVar aggregate classification (germline): Uncertain significance (1 of 4 stars; one submission).

Conditions:
Neurofibromatosis, type 1 (NF1). Also called: VON RECKLINGHAUSEN DISEASE; Peripheral type neurofibromatosis; Neurofibromatosis, type I; NEUROFIBROMATOSIS, TYPE I, SOMATIC. Identifiers: Orphanet 636, MedGen C0027831, MONDO:0018975, OMIM 162200. Disease mechanism: loss of function.

Submission:

Labcorp Genetics (formerly Invitae), Labcorp
Classification: Uncertain significance for Neurofibromatosis, type 1. Last evaluated: 2022-03-18. Review status: criteria provided, single submitter. Criteria: Invitae Variant Classification Sherloc (09022015). Collection method: clinical testing. Allele origin: germline.
Comment: This variant has not been reported in the literature in individuals affected with NF1-related conditions. Advanced modeling of protein sequence and biophysical properties (such as structural, functional, and spatial information, amino acid conservation, physicochemical variation, residue mobility, and thermodynamic stability) performed at Invitae indicates that this missense variant is expected to disrupt NF1 protein function. In summary, the available evidence is currently insufficient to determine the role of this variant in disease. Therefore, it has been classified as a Variant of Uncertain Significance. This variant is not present in population databases (gnomAD no frequency). This sequence change replaces methionine, which is neutral and non-polar, with threonine, which is neutral and polar, at codon 1073 of the NF1 protein (p.Met1073Thr).